The following is an entry in ClinVar:

NM_020207.7(ERCC6L2):c.437T>C (p.Leu146Pro)

Gene: ERCC6L2 (ERCC excision repair 6 like 2; plus strand). Cytogenetic location: 9q22.32.
Variant type: single nucleotide variant.
Coding change: c.437T>C on transcript NM_020207.7 (MANE Select); coding-DNA position 437, T replaced by C.
Protein change: p.Leu146Pro; replaces leucine 146 with proline.
Molecular consequence: missense variant. On other transcripts: non-coding transcript variant (1).
Genome position (GRCh38, 1-based): chr9:95,881,259, T>C. VCF-style: chr9-95881259-T-C. GRCh37 (hg19) VCF-style: chr9-98643541-T-C.
Other names: c.437T>C, p.Leu146Pro (NM_001010895.4, NM_001375291.1, NM_001375292.1 and 2 more transcripts); short protein forms L146P.
Identifiers: ClinVar variation 1720843 (VCV001720843.5), dbSNP rs2490187072, ClinGen allele CA374117782.

ClinVar aggregate classification (germline): Uncertain significance (1 of 4 stars; one submission).

Submission:

Labcorp Genetics (formerly Invitae), Labcorp
Classification: Uncertain significance. Last evaluated: 2023-02-14. Review status: criteria provided, single submitter. Criteria: Invitae Variant Classification Sherloc (09022015). Collection method: clinical testing. Allele origin: germline.
Comment: This sequence change replaces leucine, which is neutral and non-polar, with proline, which is neutral and non-polar, at codon 157 of the ERCC6L2 protein (p.Leu157Pro). This variant is not present in population databases (gnomAD no frequency). This variant has not been reported in the literature in individuals affected with ERCC6L2-related conditions. ClinVar contains an entry for this variant (Variation ID: 1720843). Algorithms developed to predict the effect of missense changes on protein structure and function are either unavailable or do not agree on the potential impact of this missense change (SIFT: "Deleterious"; PolyPhen-2: "Not Available"; Align-GVGD: "Class C0"). In summary, the available evidence is currently insufficient to determine the role of this variant in disease. Therefore, it has been classified as a Variant of Uncertain Significance.